The following is an entry in ClinVar:

ClinVar aggregate classification (germline): Likely benign. Review status: criteria provided, multiple submitters, no conflicts (2 of 4 stars). 2 submissions from 2 submitters: Likely benign (2). Last evaluated 2025-11-12.

Conditions:
RASopathy. Also called: rasopathies; Noonan spectrum disorder. Identifiers: Orphanet 536391, MedGen C5555857, MONDO:0021060.

Submissions (2):

Labcorp Genetics (formerly Invitae), Labcorp
Classification: Likely benign for RASopathy. Last evaluated: 2025-11-12. Review status: criteria provided, single submitter. Criteria: Invitae Variant Classification Sherloc (09022015). Collection method: clinical testing. Allele origin: germline.

Women's Health and Genetics/Laboratory Corporation of America, LabCorp
Classification: Likely benign. Last evaluated: 2023-08-21. Review status: criteria provided, single submitter. Criteria: LabCorp Variant Classification Summary - May 2015. Collection method: clinical testing. Allele origin: germline.
Comment: Variant summary: BRAF c.2128-16_2128-15delinsTC alters a nucleotide located at a position not widely known to affect splicing. 4/4 computational tools predict no significant impact on normal splicing. However, these predictions have yet to be confirmed by functional studies. The variant was absent in 143638 control chromosomes. The available data on variant occurrences in the general population are insufficient to allow any conclusion about variant significance. To our knowledge, no occurrence of c.2128-16_2128-15delinsTC in individuals affected with Cardiofaciocutaneous Syndrome and no experimental evidence demonstrating its impact on protein function have been reported. One submitter has cited clinical-significance assessments for this variant to ClinVar after 2014 and has classified the variant as likely benign. Based on the evidence outlined above, the variant was classified as likely benign.

NM_004333.6(BRAF):c.2128-16_2128-15delinsTC

Gene: BRAF (B-Raf proto-oncogene, serine/threonine kinase; minus strand). Cytogenetic location: 7q34.
Variant type: Indel.
Coding change: c.2128-16_2128-15delinsTC on transcript NM_004333.6 (MANE Select); 16 bases into the intron before coding-DNA position 2128 through 15 bases into the intron before coding-DNA position 2128, CT replaced by TC.
Molecular consequence: intron variant.
Genome position (GRCh38, 1-based): chr7:140,734,785-140,734,786, AG replaced by GA on the plus strand (CT replaced by TC on the coding strand, the reverse complement: BRAF is on the minus strand). VCF-style: chr7-140734785-AG-GA. GRCh37 (hg19) VCF-style: chr7-140434585-AG-GA.
Other names: c.2128-16_2128-15delinsTC (NM_004333.4, NM_001354609.2); c.2127+5026_2127+5027delinsTC (NM_001378474.1, NM_001378468.1); c.2026-16_2026-15delinsTC (NM_001378470.1); c.1864-16_1864-15delinsTC (NM_001378475.1); c.2017-16_2017-15delinsTC (NM_001378471.1); c.2248-16_2248-15delinsTC (NM_001374258.1, NM_001374244.1); c.2137-16_2137-15delinsTC (NM_001378467.1); c.1972-16_1972-15delinsTC (NM_001378472.1, NM_001378473.1); and 1 more.
Identifiers: ClinVar variation 1623147 (VCV001623147.9), dbSNP rs2130870208, ClinGen allele CA2573141775.